The following is an entry in ClinVar:

ClinVar aggregate classification (germline): Uncertain significance. Review status: criteria provided, single submitter (1 of 4 stars). 2 submissions from 2 submitters: Uncertain significance (1). 1 of the submissions does not count toward it. Last evaluated 2023-06-20.

Conditions:
Retinitis pigmentosa (RP). Identifiers: Orphanet 791, MedGen C0035334, MeSH D012174, MONDO:0019200, OMIM 268000. Inheritance: Autosomal dominant, autosomal recessive and X linked inheritance.

Submissions (2):

Labcorp Genetics (formerly Invitae), Labcorp
Classification: Uncertain significance. Last evaluated: 2023-06-20. Review status: criteria provided, single submitter. Criteria: Invitae Variant Classification Sherloc (09022015). Collection method: clinical testing. Allele origin: germline.
Comment: In summary, the available evidence is currently insufficient to determine the role of this variant in disease. Therefore, it has been classified as a Variant of Uncertain Significance. Advanced modeling of protein sequence and biophysical properties (such as structural, functional, and spatial information, amino acid conservation, physicochemical variation, residue mobility, and thermodynamic stability) performed at Invitae indicates that this missense variant is expected to disrupt RHO protein function. ClinVar contains an entry for this variant (Variation ID: 636085). This missense change has been observed in individual(s) with autosomal dominant retinitis pigmentosa (PMID: 30718709). This variant is not present in population databases (gnomAD no frequency). This sequence change replaces proline, which is neutral and non-polar, with arginine, which is basic and polar, at codon 303 of the RHO protein (p.Pro303Arg).

Department of Clinical Genetics, Copenhagen University Hospital, Rigshospitalet
Classification: Likely pathogenic for Retinitis pigmentosa. Last evaluated: 2018-04-01. Review status: no assertion criteria provided. Collection method: research. Allele origin: unknown. Affected: yes. Study: VeluxRD. Not counted in ClinVar's aggregate classification.

Literature cited by the submitters: PubMed 30718709 (cited by Labcorp Genetics (formerly Invitae), Labcorp and Department of Clinical Genetics, Copenhagen University Hospital, Rigshospitalet).

NM_000539.3(RHO):c.908C>G (p.Pro303Arg)

Gene: RHO (rhodopsin; plus strand). Cytogenetic location: 3q22.1.
Variant type: single nucleotide variant.
Coding change: c.908C>G on transcript NM_000539.3 (MANE Select); coding-DNA position 908, C replaced by G.
Protein change: p.Pro303Arg; replaces proline 303 with arginine.
Molecular consequence: missense variant.
Genome position (GRCh38, 1-based): chr3:129,532,744, C>G. VCF-style: chr3-129532744-C-G. GRCh37 (hg19) VCF-style: chr3-129251587-C-G.
Other names: short protein forms P303R.
Identifiers: ClinVar variation 636085 (VCV000636085.5), dbSNP rs1578281100, ClinGen allele CA354470931.